The following is an entry in ClinVar:

NM_016373.4(WWOX):c.1021C>A (p.Leu341Met)

Gene: WWOX (WW domain containing oxidoreductase; plus strand). Cytogenetic location: 16q23.1.
Variant type: single nucleotide variant.
Coding change: c.1021C>A on transcript NM_016373.4 (MANE Select); coding-DNA position 1021, C replaced by A.
Protein change: p.Leu341Met; replaces leucine 341 with methionine.
Molecular consequence: missense variant.
Genome position (GRCh38, 1-based): chr16:78,432,717, C>A. VCF-style: chr16-78432717-C-A. GRCh37 (hg19) VCF-style: chr16-78466614-C-A.
Other names: c.682C>A, p.Leu228Met (NM_001291997.2); short protein forms L341M, L228M.
Identifiers: ClinVar variation 567538 (VCV000567538.16), dbSNP rs201616456, ClinGen allele CA8183602.

ClinVar aggregate classification (germline): Likely benign. Review status: criteria provided, multiple submitters, no conflicts (2 of 4 stars). 4 submissions from 4 submitters: Likely benign (4). Last evaluated 2026-01-12.

Conditions:
Inborn genetic diseases. Identifiers: MedGen C0950123, MeSH D030342.
Developmental and epileptic encephalopathy, 1 (DEE1). Also called: OHTAHARA SYNDROME, X-LINKED; Epileptic encephalopathy, early infantile, 1; INFANTILE SPASM SYNDROME, X-LINKED 1; X-linked infantile spasms; West's syndrome; Tonic spasms with clustering, arrest of psychomotor development and hypsarrhythmia on EEG. Identifiers: MedGen C3463992, MONDO:0010632, OMIM 308350. Disease mechanism: loss of function.
Autosomal recessive spinocerebellar ataxia 12. Also called: SPINOCEREBELLAR ATAXIA WITH MENTAL RETARDATION AND EPILEPSY. Identifiers: Orphanet 284282, MedGen C3280452, MONDO:0013687, OMIM 614322.

Allele frequency attached by ClinVar (database versions not stated): gnomAD 0.00076; ESP Exome Variant Server 0.00064; TOPMed 0.00076.
gnomAD v4.1: 179 of 1,614,170 alleles (0.011%); highest among the groups gnomAD compares: African/African-American, 0.2%; no homozygotes.

Submissions (4):

Labcorp Genetics (formerly Invitae), Labcorp
Classification: Likely benign for Developmental and epileptic encephalopathy, 1; Autosomal recessive spinocerebellar ataxia 12. Last evaluated: 2026-01-12. Review status: criteria provided, single submitter. Criteria: Invitae Variant Classification Sherloc (09022015). Collection method: clinical testing. Allele origin: germline.

Athena Diagnostics
Classification: Likely benign. Last evaluated: 2025-02-10. Review status: criteria provided, single submitter. Criteria: Athena Diagnostics Criteria. Collection method: clinical testing. Allele origin: unknown.
Comment: The frequency of this variant in the general population is higher than would generally be expected for pathogenic variants in this gene.

Ambry Genetics
Classification: Likely benign for Inborn genetic diseases. Last evaluated: 2024-10-04. Review status: criteria provided, single submitter. Criteria: Ambry Variant Classification Scheme 2023. Collection method: clinical testing. Allele origin: germline.

GeneDx
Classification: Likely benign. Last evaluated: 2021-06-19. Review status: criteria provided, single submitter. Criteria: GeneDx Variant Classification Process June 2021. Collection method: clinical testing. Allele origin: germline. Affected: yes.
Comment: In silico analysis, which includes protein predictors and evolutionary conservation, supports that this variant does not alter protein structure/function; Has not been previously published as pathogenic or benign to our knowledge